The following is an entry in ClinVar:

NM_004369.4(COL6A3):c.3446G>A (p.Arg1149Gln)

Gene: COL6A3 (collagen type VI alpha 3 chain; minus strand). Cytogenetic location: 2q37.3.
Variant type: single nucleotide variant.
Coding change: c.3446G>A on transcript NM_004369.4 (MANE Select); coding-DNA position 3446, G replaced by A.
Protein change: p.Arg1149Gln; replaces arginine 1149 with glutamine.
Molecular consequence: missense variant.
Genome position (GRCh38, 1-based): chr2:237,374,645, C>T on the plus strand (G>A on the coding strand, the complement: COL6A3 is on the minus strand). VCF-style: chr2-237374645-C-T. GRCh37 (hg19) VCF-style: chr2-238283288-C-T.
Other names: c.2225G>A, p.Arg742Gln (NM_057164.5); c.2828G>A, p.Arg943Gln (NM_057165.5, NM_057167.4); c.1625G>A, p.Arg542Gln (NM_057166.5); short protein forms R1149Q, R742Q, R943Q, R542Q.
Identifiers: ClinVar variation 198793 (VCV000198793.29), dbSNP rs36062562, ClinGen allele CA247626.

ClinVar aggregate classification (germline): Conflicting classifications of pathogenicity. Review status: criteria provided, conflicting classifications (1 of 4 stars). 7 submissions from 7 submitters: Uncertain significance (1); Benign (1); Likely benign (4). 1 of the submissions does not count toward it. Last evaluated 2026-01-27.

Conditions:
COL6A3-related disorder. Also called: COL6A3-related condition; COL6A3-related disorders.
Inborn genetic diseases. Identifiers: MedGen C0950123, MeSH D030342.
Bethlem myopathy 1A. Also called: Bethlem myopathy 1; Bethlem Muscular Dystrophy; MYOPATHY, BENIGN CONGENITAL, WITH CONTRACTURES. Identifiers: Orphanet 610, MedGen CN029274, MONDO:0024530, OMIM 158810.
Collagen 6-related myopathy. Identifiers: MedGen CN117976, MONDO:0100225.

Allele frequency attached by ClinVar (database versions not stated): gnomAD exomes 0.00058; ExAC 0.00074; 1000 Genomes Project 0.00180; gnomAD 0.00221 and 0.00234; TOPMed 0.00243; 1000 Genomes Project 30x 0.00265; ESP Exome Variant Server 0.00284.
gnomAD v4.1: 738 of 1,614,144 alleles (0.046%); highest among the groups gnomAD compares: African/African-American, 0.82%; 6 homozygotes.

Submissions (7):

Labcorp Genetics (formerly Invitae), Labcorp
Classification: Likely benign for Bethlem myopathy 1A. Last evaluated: 2026-01-27. Review status: criteria provided, single submitter. Criteria: Invitae Variant Classification Sherloc (09022015). Collection method: clinical testing. Allele origin: germline.

Blueprint Genetics
Classification: Likely benign. Last evaluated: 2024-11-14. Review status: criteria provided, single submitter. Criteria: ACMG Guidelines, 2015. Collection method: clinical testing. Allele origin: germline.

Ambry Genetics
Classification: Uncertain significance for Inborn genetic diseases. Last evaluated: 2024-03-04. Review status: criteria provided, single submitter. Criteria: Ambry Variant Classification Scheme 2023. Collection method: clinical testing. Allele origin: germline.

GeneDx
Classification: Likely benign. Last evaluated: 2021-03-10. Review status: criteria provided, single submitter. Criteria: GeneDx Variant Classification Process June 2021. Collection method: clinical testing. Allele origin: germline. Affected: yes.

Illumina Laboratory Services, Illumina
Classification: Benign for Collagen VI-related myopathy. Last evaluated: 2018-01-13. Review status: criteria provided, single submitter. Criteria: ICSL Variant Classification Criteria 13 December 2019. Collection method: clinical testing. Allele origin: germline.
Comment: This variant was observed in the ICSL laboratory as part of a predisposition screen in an ostensibly healthy population. It had not been previously curated by ICSL or reported in the Human Gene Mutation Database (HGMD: prior to June 1st, 2018), and was therefore a candidate for classification through an automated scoring system. Utilizing variant allele frequency, disease prevalence and penetrance estimates, and inheritance mode, an automated score was calculated to assess if this variant is too frequent to cause the disease. Based on the score and internal cut-off values, a variant classified as benign is not then subjected to further curation. The score for this variant resulted in a classification of benign for this disease.

Eurofins Ntd Llc (ga)
Classification: Likely benign. Last evaluated: 2015-09-15. Review status: criteria provided, single submitter. Criteria: EGL Classification Definitions 2015. Collection method: clinical testing. Allele origin: germline. Observed: 2 variant alleles, 2 heterozygotes.

PreventionGenetics, part of Exact Sciences
Classification: Benign for COL6A3-related condition. Last evaluated: 2019-08-13. Review status: no assertion criteria provided. Collection method: clinical testing. Allele origin: germline. Not counted in ClinVar's aggregate classification.
Comment: This variant is classified as benign based on ACMG/AMP sequence variant interpretation guidelines (Richards et al. 2015 PMID: 25741868, with internal and published modifications).